The following is an entry in ClinVar:

NM_000479.5(AMH):c.-2C>T

Genes: AMH (anti-Mullerian hormone; plus strand), LOC108783649 (AMH 5' regulatory region; plus strand). Cytogenetic location: 19p13.3.
Variant type: single nucleotide variant.
Coding change: c.-2C>T on transcript NM_000479.5 (MANE Select); 2 bases upstream of the start codon, C replaced by T.
Molecular consequence: 5 prime UTR variant.
Genome position (GRCh38, 1-based): chr19:2,249,331, C>T. VCF-style: chr19-2249331-C-T. GRCh37 (hg19) VCF-style: chr19-2249330-C-T.
Identifiers: ClinVar variation 3352340 (VCV003352340.1).

ClinVar aggregate classification (germline): Likely benign (0 of 4 stars; one submission).

Conditions:
AMH-related disorder. Also called: AMH-related condition.

gnomAD v4.1: 453 of 1,561,042 alleles (0.029%); highest among the groups gnomAD compares: Non-Finnish European, 0.037%; no homozygotes.

Submission:

PreventionGenetics, part of Exact Sciences
Classification: Likely benign for AMH-related condition. Last evaluated: 2024-08-12. Review status: no assertion criteria provided. Collection method: clinical testing. Allele origin: germline.
Comment: This variant is classified as likely benign based on ACMG/AMP sequence variant interpretation guidelines (Richards et al. 2015 PMID: 25741868, with internal and published modifications).